The following is an entry in ClinVar:

ClinVar aggregate classification (germline): Benign/Likely benign. Review status: criteria provided, multiple submitters, no conflicts (2 of 4 stars). 6 submissions from 6 submitters: Benign (1); Likely benign (5). Last evaluated 2025-10-09.

Conditions:
Fanconi anemia complementation group J. Also called: BRIP1-Related Fanconi Anemia. Identifiers: Orphanet 84, MedGen C1836860, MONDO:0012187, OMIM 609054.
Familial cancer of breast. Also called: BREAST CANCER, FAMILIAL; hereditary breast carcinoma; Hereditary breast cancer. Identifiers: Orphanet 227535, MedGen C0346153, MONDO:0016419, OMIM 114480. Disease mechanism: loss of function.
Hereditary cancer-predisposing syndrome. Also called: Tumor predisposition; Neoplastic Syndromes, Hereditary; Hereditary Cancer Syndrome; Hereditary neoplastic syndrome. Identifiers: Orphanet 140162, MedGen C0027672, MeSH D009386, MONDO:0015356.

Allele frequency attached by ClinVar (database versions not stated): ExAC 0.00002.
gnomAD v4.1: 19 of 1,614,140 alleles (0.0012%); highest among the groups gnomAD compares: South Asian, 0.02%; no homozygotes.

Submissions (6):

Labcorp Genetics (formerly Invitae), Labcorp
Classification: Likely benign for Familial cancer of breast; Fanconi anemia complementation group J. Last evaluated: 2025-10-09. Review status: criteria provided, single submitter. Criteria: Invitae Variant Classification Sherloc (09022015). Collection method: clinical testing. Allele origin: germline.

Myriad Genetics, Inc.
Classification: Benign for Familial cancer of breast. Last evaluated: 2024-09-09. Review status: criteria provided, single submitter. Criteria: Myriad Autosomal Dominant, Autosomal Recessive and X-Linked Classification Criteria (2023). Collection method: clinical testing. Allele origin: unknown.
Comment: This variant is considered benign. This variant is a silent/synonymous amino acid change and it is not expected to impact splicing.

Department of Pathology and Laboratory Medicine, Sinai Health System
Classification: Likely benign for Familial cancer of breast. Last evaluated: 2022-01-14. Review status: criteria provided, single submitter. Criteria: ACMG Guidelines, 2015. Collection method: clinical testing. Allele origin: germline. Affected: yes.

Sema4
Classification: Likely benign for Hereditary cancer-predisposing syndrome. Last evaluated: 2021-09-16. Review status: criteria provided, single submitter. Criteria: Sema4 Curation Guidelines. Collection method: curation. Allele origin: germline.

Ambry Genetics
Classification: Likely benign for Hereditary cancer-predisposing syndrome. Last evaluated: 2017-12-22. Review status: criteria provided, single submitter. Criteria: Ambry Variant Classification Scheme 2023. Collection method: clinical testing. Allele origin: germline.

Color Diagnostics, LLC DBA Color Health
Classification: Likely benign for Hereditary cancer-predisposing syndrome. Last evaluated: 2017-03-03. Review status: criteria provided, single submitter. Criteria: ACMG Guidelines, 2015. Collection method: clinical testing. Allele origin: germline.

NM_032043.3(BRIP1):c.3081G>A (p.Glu1027=)

Gene: BRIP1 (BRCA1 interacting DNA helicase 1; minus strand). Cytogenetic location: 17q23.2.
Variant type: single nucleotide variant.
Coding change: c.3081G>A on transcript NM_032043.3 (MANE Select); coding-DNA position 3081, G replaced by A.
Protein change: p.Glu1027=; no amino-acid change (glutamic acid 1027 retained).
Molecular consequence: synonymous variant.
Genome position (GRCh38, 1-based): chr17:61,683,965, C>T on the plus strand (G>A on the coding strand, the complement: BRIP1 is on the minus strand). VCF-style: chr17-61683965-C-T. GRCh37 (hg19) VCF-style: chr17-59761326-C-T.
Identifiers: ClinVar variation 491461 (VCV000491461.19), dbSNP rs777660106, ClinGen allele CA8690400.